The following is an entry in ClinVar:

NM_001365088.1(SLC12A6):c.228T>A (p.Asp76Glu)

Gene: SLC12A6 (solute carrier family 12 member 6; minus strand). Cytogenetic location: 15q14.
Variant type: single nucleotide variant.
Coding change: c.228T>A on transcript NM_001365088.1 (MANE Select); coding-DNA position 228, T replaced by A.
Protein change: p.Asp76Glu; replaces aspartic acid 76 with glutamic acid.
Molecular consequence: missense variant.
Genome position (GRCh38, 1-based): chr15:34,336,453, A>T on the plus strand (T>A on the coding strand, the complement: SLC12A6 is on the minus strand). VCF-style: chr15-34336453-A-T. GRCh37 (hg19) VCF-style: chr15-34628654-A-T.
Other names: c.51T>A, p.Asp17Glu (NM_001042494.2, NM_001042495.2); c.201T>A, p.Asp67Glu (NM_001042496.2); c.228T>A, p.Asp76Glu (NM_001042497.2, NM_133647.2); short protein forms D67E, D17E, D76E.
Identifiers: ClinVar variation 3710354 (VCV003710354.1).

ClinVar aggregate classification (germline): Uncertain significance (1 of 4 stars; one submission).

gnomAD v4.1: 9 of 1,613,836 alleles (0.00056%); highest among the groups gnomAD compares: Non-Finnish European, 0.00051%; no homozygotes.

Submission:

Labcorp Genetics (formerly Invitae), Labcorp
Classification: Uncertain significance. Last evaluated: 2024-05-08. Review status: criteria provided, single submitter. Criteria: Invitae Variant Classification Sherloc (09022015). Collection method: clinical testing. Allele origin: germline.
Comment: This sequence change replaces aspartic acid, which is acidic and polar, with glutamic acid, which is acidic and polar, at codon 76 of the SLC12A6 protein (p.Asp76Glu). This variant is present in population databases (rs772963728, gnomAD 0.0009%). This variant has not been reported in the literature in individuals affected with SLC12A6-related conditions. Advanced modeling of protein sequence and biophysical properties (such as structural, functional, and spatial information, amino acid conservation, physicochemical variation, residue mobility, and thermodynamic stability) performed at Invitae indicates that this missense variant is not expected to disrupt SLC12A6 protein function with a negative predictive value of 95%. In summary, the available evidence is currently insufficient to determine the role of this variant in disease. Therefore, it has been classified as a Variant of Uncertain Significance.